The following is an entry in ClinVar:

NM_006231.4(POLE):c.579-18T>C

Gene: POLE (DNA polymerase epsilon, catalytic subunit; minus strand). Cytogenetic location: 12q24.33.
Variant type: single nucleotide variant.
Coding change: c.579-18T>C on transcript NM_006231.4 (MANE Select); 18 bases into the intron before coding-DNA position 579, T replaced by C.
Molecular consequence: intron variant.
Genome position (GRCh38, 1-based): chr12:132,677,737, A>G on the plus strand (T>C on the coding strand, the complement: POLE is on the minus strand). VCF-style: chr12-132677737-A-G. GRCh37 (hg19) VCF-style: chr12-133254323-A-G.
Identifiers: ClinVar variation 507602 (VCV000507602.8), dbSNP rs1056677187, ClinGen allele CA246300525.

ClinVar aggregate classification (germline): Likely benign. Review status: criteria provided, multiple submitters, no conflicts (2 of 4 stars). 2 submissions from 2 submitters: Likely benign (2). Last evaluated 2025-12-16.

Allele frequency attached by ClinVar (database versions not stated): gnomAD exomes 0.00001 and 0.00002; TOPMed 0.00002; gnomAD 0.00003.
gnomAD v4.1: 31 of 1,612,192 alleles (0.0019%); highest among the groups gnomAD compares: Non-Finnish European, 0.0026%; no homozygotes.

Submissions (2):

Labcorp Genetics (formerly Invitae), Labcorp
Classification: Likely benign. Last evaluated: 2025-12-16. Review status: criteria provided, single submitter. Criteria: Invitae Variant Classification Sherloc (09022015). Collection method: clinical testing. Allele origin: germline.

GeneDx
Classification: Likely benign. Last evaluated: 2017-10-13. Review status: criteria provided, single submitter. Criteria: GeneDx Variant Classification (06012015). Collection method: clinical testing. Allele origin: germline. Affected: yes.
Comment: This variant is considered likely benign or benign based on one or more of the following criteria: it is a conservative change, it occurs at a poorly conserved position in the protein, it is predicted to be benign by multiple in silico algorithms, and/or has population frequency not consistent with disease.